The following is an entry in ClinVar:

ClinVar aggregate classification (germline): Uncertain significance. Review status: criteria provided, multiple submitters, no conflicts (2 of 4 stars). 3 submissions from 3 submitters: Uncertain significance (3). Last evaluated 2023-10-19.

Conditions:
DICER1-related tumor predisposition. Also called: DICER1 syndrome; DICER1-related pleuropulmonary blastoma cancer predisposition syndrome. Identifiers: Orphanet 284343, MedGen C3839822, MONDO:0100216.
Hereditary cancer-predisposing syndrome. Also called: Tumor predisposition; Hereditary Cancer Syndrome; Hereditary neoplastic syndrome; Neoplastic Syndromes, Hereditary. Identifiers: Orphanet 140162, MedGen C0027672, MeSH D009386, MONDO:0015356.

Submissions (3):

GeneDx
Classification: Uncertain significance. Last evaluated: 2023-10-19. Review status: criteria provided, single submitter. Criteria: GeneDx Variant Classification Process June 2021. Collection method: clinical testing. Allele origin: germline. Affected: yes.
Comment: Not observed at significant frequency in large population cohorts (gnomAD); In silico analysis supports that this missense variant does not alter protein structure/function; Has not been previously published as pathogenic or benign to our knowledge

Labcorp Genetics (formerly Invitae), Labcorp
Classification: Uncertain significance for DICER1-related tumor predisposition. Last evaluated: 2023-03-13. Review status: criteria provided, single submitter. Criteria: Invitae Variant Classification Sherloc (09022015). Collection method: clinical testing. Allele origin: germline.
Comment: In summary, the available evidence is currently insufficient to determine the role of this variant in disease. Therefore, it has been classified as a Variant of Uncertain Significance. An algorithm developed to predict the effect of missense changes on protein structure and function (PolyPhen-2) suggests that this variant is likely to be tolerated. ClinVar contains an entry for this variant (Variation ID: 2064050). This variant has not been reported in the literature in individuals affected with DICER1-related conditions. This variant is not present in population databases (gnomAD no frequency). This sequence change replaces aspartic acid, which is acidic and polar, with asparagine, which is neutral and polar, at codon 1651 of the DICER1 protein (p.Asp1651Asn).

Ambry Genetics
Classification: Uncertain significance for Hereditary cancer-predisposing syndrome. Last evaluated: 2023-01-19. Review status: criteria provided, single submitter. Criteria: Ambry Variant Classification Scheme 2023. Collection method: clinical testing. Allele origin: germline.
Comment: The p.D1651N variant (also known as c.4951G>A), located in coding exon 22 of the DICER1 gene, results from a G to A substitution at nucleotide position 4951. The aspartic acid at codon 1651 is replaced by asparagine, an amino acid with highly similar properties. This amino acid position is conserved. In addition, this alteration is predicted to be tolerated by in silico analysis. Since supporting evidence is limited at this time, the clinical significance of this alteration remains unclear.

NM_177438.3(DICER1):c.4951G>A (p.Asp1651Asn)

Gene: DICER1 (dicer 1, ribonuclease III; minus strand). Cytogenetic location: 14q32.13.
Variant type: single nucleotide variant.
Coding change: c.4951G>A on transcript NM_177438.3 (MANE Select); coding-DNA position 4951, G replaced by A.
Protein change: p.Asp1651Asn; replaces aspartic acid 1651 with asparagine.
Molecular consequence: missense variant. On other transcripts: non-coding transcript variant (6).
Genome position (GRCh38, 1-based): chr14:95,095,969, C>T on the plus strand (G>A on the coding strand, the complement: DICER1 is on the minus strand). VCF-style: chr14-95095969-C-T. GRCh37 (hg19) VCF-style: chr14-95562306-C-T.
Other names: c.4951G>A, p.Asp1651Asn (NM_001195573.1, NM_001271282.3, NM_001291628.2 and 13 more transcripts); c.4669G>A, p.Asp1557Asn (NM_001395686.1); c.4546G>A, p.Asp1516Asn (NM_001395687.1, NM_001395688.1, NM_001395689.1 and 2 more transcripts); c.4384G>A, p.Asp1462Asn (NM_001395691.1); c.3268G>A, p.Asp1090Asn (NM_001395697.1); short protein forms D1462N, D1651N, D1090N, D1557N, D1516N.
Identifiers: ClinVar variation 2064050 (VCV002064050.7), dbSNP rs2542479769, ClinGen allele CA390866243.